The following is an entry in ClinVar:

ClinVar aggregate classification (germline): Uncertain significance. Review status: criteria provided, multiple submitters, no conflicts (2 of 4 stars). 4 submissions from 4 submitters: Uncertain significance (4). Last evaluated 2024-10-29.

Conditions:
Inborn genetic diseases. Identifiers: MedGen C0950123, MeSH D030342.
Fetal akinesia deformation sequence 1 (FADS1). Also called: Pena-Shokeir syndrome type I; Fetal akinesia sequence. Identifiers: Orphanet 994, MedGen C1276035, MONDO:0100101, OMIM 208150, HP:0001989.
Congenital myasthenic syndrome 10. Also called: Myasthenia, limb-girdle, familial. Identifiers: Orphanet 590, MedGen C1850792, MONDO:0009690, OMIM 254300.

Allele frequency attached by ClinVar (database versions not stated): gnomAD exomes 0.00002 and 0.00006; TOPMed 0.00003; gnomAD 0.00004; ExAC 0.00009.

Submissions (4):

Ambry Genetics
Classification: Uncertain significance for Inborn genetic diseases. Last evaluated: 2024-10-29. Review status: criteria provided, single submitter. Criteria: Ambry Variant Classification Scheme 2023. Collection method: clinical testing. Allele origin: germline.

Revvity Omics, Revvity
Classification: Uncertain significance. Last evaluated: 2024-02-12. Review status: criteria provided, single submitter. Criteria: ACMG Guidelines, 2015. Collection method: clinical testing. Allele origin: germline.

Labcorp Genetics (formerly Invitae), Labcorp
Classification: Uncertain significance for Congenital myasthenic syndrome 10; Fetal akinesia deformation sequence 1. Last evaluated: 2022-07-06. Review status: criteria provided, single submitter. Criteria: Invitae Variant Classification Sherloc (09022015). Collection method: clinical testing. Allele origin: germline.
Comment: This sequence change replaces proline, which is neutral and non-polar, with threonine, which is neutral and polar, at codon 318 of the DOK7 protein (p.Pro318Thr). This variant is present in population databases (rs754476094, gnomAD 0.005%). This variant has not been reported in the literature in individuals affected with DOK7-related conditions. ClinVar contains an entry for this variant (Variation ID: 666026). Algorithms developed to predict the effect of missense changes on protein structure and function (SIFT, PolyPhen-2, Align-GVGD) all suggest that this variant is likely to be disruptive. In summary, the available evidence is currently insufficient to determine the role of this variant in disease. Therefore, it has been classified as a Variant of Uncertain Significance.

GeneDx
Classification: Uncertain significance. Last evaluated: 2020-05-21. Review status: criteria provided, single submitter. Criteria: GeneDx Variant Classification Process June 2021. Collection method: clinical testing. Allele origin: germline. Affected: yes.
Comment: Not observed at a significant frequency in large population cohorts (Lek et al., 2016); In silico analysis supports that this missense variant has a deleterious effect on protein structure/function; Has not been previously published as pathogenic or benign to our knowledge

NM_173660.5(DOK7):c.952C>A (p.Pro318Thr)

Gene: DOK7 (docking protein 7; plus strand). Cytogenetic location: 4p16.3.
Variant type: single nucleotide variant.
Coding change: c.952C>A on transcript NM_173660.5 (MANE Select); coding-DNA position 952, C replaced by A.
Protein change: p.Pro318Thr; replaces proline 318 with threonine.
Molecular consequence: missense variant. On other transcripts: 3 prime UTR variant (1).
Genome position (GRCh38, 1-based): chr4:3,492,938, C>A. VCF-style: chr4-3492938-C-A. GRCh37 (hg19) VCF-style: chr4-3494665-C-A.
Other names: c.*173C>A (NM_001164673.2); c.22C>A, p.Pro8Thr (NM_001256896.2); c.952C>A, p.Pro318Thr (NM_001301071.2); c.520C>A, p.Pro174Thr (NM_001363811.2); short protein forms P174T, P8T, P318T.
Identifiers: ClinVar variation 666026 (VCV000666026.11), dbSNP rs754476094, ClinGen allele CA2829298.